The following is an entry in ClinVar:

NM_031935.3(HMCN1):c.14437+3G>A

Gene: HMCN1 (hemicentin 1; plus strand). Cytogenetic location: 1q31.1.
Variant type: single nucleotide variant.
Coding change: c.14437+3G>A on transcript NM_031935.3 (MANE Select); 3 bases into the intron after coding-DNA position 14437, G replaced by A.
Molecular consequence: intron variant.
Genome position (GRCh38, 1-based): chr1:186,145,576, G>A. VCF-style: chr1-186145576-G-A. GRCh37 (hg19) VCF-style: chr1-186114708-G-A.
Identifiers: ClinVar variation 1994038 (VCV001994038.4), dbSNP rs1428692246, ClinGen allele CA728677378.

ClinVar aggregate classification (germline): Uncertain significance (1 of 4 stars; one submission).

Allele frequency attached by ClinVar (database versions not stated): TOPMed below 0.00001; gnomAD 0.00001.
gnomAD v4.1: 1 of 1,613,718 alleles (0.000062%); highest among the groups gnomAD compares: African/African-American, 0.0013%; no homozygotes.

Submission:

Labcorp Genetics (formerly Invitae), Labcorp
Classification: Uncertain significance. Last evaluated: 2022-05-13. Review status: criteria provided, single submitter. Criteria: Invitae Variant Classification Sherloc (09022015). Collection method: clinical testing. Allele origin: germline.
Comment: This variant has not been reported in the literature in individuals affected with HMCN1-related conditions. Variants that disrupt the consensus splice site are a relatively common cause of aberrant splicing (PMID: 17576681, 9536098). Algorithms developed to predict the effect of sequence changes on RNA splicing suggest that this variant is not likely to affect RNA splicing. In summary, the available evidence is currently insufficient to determine the role of this variant in disease. Therefore, it has been classified as a Variant of Uncertain Significance. This variant is not present in population databases (gnomAD no frequency). This sequence change falls in intron 92 of the HMCN1 gene. It does not directly change the encoded amino acid sequence of the HMCN1 protein. It affects a nucleotide within the consensus splice site.

Literature cited by the submitters: PubMed 17576681; PubMed 9536098.